The following is an entry in ClinVar:

NM_001042492.3(NF1):c.7063-2A>T

Gene: NF1 (neurofibromin 1; plus strand). Cytogenetic location: 17q11.2.
Variant type: single nucleotide variant.
Coding change: c.7063-2A>T on transcript NM_001042492.3 (MANE Select); the canonical splice acceptor site of the intron before coding-DNA position 7063, A replaced by T.
Molecular consequence: splice acceptor variant.
Genome position (GRCh38, 1-based): chr17:31,343,007, A>T. VCF-style: chr17-31343007-A-T. GRCh37 (hg19) VCF-style: chr17-29670025-A-T.
Other names: c.7000-2A>T (NM_000267.4).
Identifiers: ClinVar variation 2039653 (VCV002039653.6), dbSNP rs1597851255, ClinGen allele CA399015495.

ClinVar aggregate classification (germline): Pathogenic. Review status: criteria provided, multiple submitters, no conflicts (2 of 4 stars). 2 submissions from 2 submitters: Pathogenic (2). Last evaluated 2021-12-11.

Conditions:
Neurofibromatosis, type 1 (NF1). Also called: Neurofibromatosis, type I; NEUROFIBROMATOSIS, TYPE I, SOMATIC; Peripheral type neurofibromatosis; VON RECKLINGHAUSEN DISEASE. Identifiers: Orphanet 636, MedGen C0027831, MONDO:0018975, OMIM 162200. Disease mechanism: loss of function.
Neurofibromatosis-Noonan syndrome (NFNS). Also called: NEUROFIBROMATOSIS WITH NOONAN PHENOTYPE. Identifiers: Orphanet 638, MedGen C2931482, MONDO:0011035, OMIM 601321. Disease mechanism: loss of function.
Café-au-lait macules with pulmonary stenosis (WTSN). Also called: PULMONIC STENOSIS WITH CAFE-AU-LAIT SPOTS. Identifiers: MedGen C0553586, MONDO:0008672, OMIM 193520.
Juvenile myelomonocytic leukemia (JMML). Also called: LEUKEMIA, JUVENILE MYELOMONOCYTIC, SOMATIC. Identifiers: Orphanet 86834, MedGen C0349639, MONDO:0011908, OMIM 607785, HP:0012209.
Neurofibromatosis, familial spinal (FSNF). Identifiers: Orphanet 636, MedGen C1834235, MONDO:0008078, OMIM 162210. Disease mechanism: loss of function.

Submissions (2):

Labcorp Genetics (formerly Invitae), Labcorp
Classification: Pathogenic for Neurofibromatosis, type 1. Last evaluated: 2021-12-11. Review status: criteria provided, single submitter. Criteria: Invitae Variant Classification Sherloc (09022015). Collection method: clinical testing. Allele origin: germline.
Comment: For these reasons, this variant has been classified as Pathogenic. Algorithms developed to predict the effect of sequence changes on RNA splicing suggest that this variant may disrupt the consensus splice site. Disruption of this splice site has been observed in individual(s) with neurofibromatosis type 1 (PMID: 16944272, 31533651). This variant is not present in population databases (gnomAD no frequency). This sequence change affects an acceptor splice site in intron 46 of the NF1 gene. It is expected to disrupt RNA splicing. Variants that disrupt the donor or acceptor splice site typically lead to a loss of protein function (PMID: 16199547), and loss-of-function variants in NF1 are known to be pathogenic (PMID: 10712197, 23913538).

Juno Genomics, Hangzhou Juno Genomics, Inc
Classification: Pathogenic for Juvenile myelomonocytic leukemia; Neurofibromatosis, familial spinal; Neurofibromatosis, type 1; Neurofibromatosis-Noonan syndrome; Café-au-lait macules with pulmonary stenosis. Review status: criteria provided, single submitter. Criteria: ACMG Guidelines, 2015. Collection method: clinical testing. Allele origin: germline. Affected: yes.
Comment: Null variant in a gene where loss of function (LOF) is a known mechanism of disease.;Absent from controls (or at extremely low frequency if recessive) in Genome Aggregation Database, Exome Sequencing Project, 1000 Genomes Project, or Exome Aggregation Consortium.;Patient's phenotype or family history is highly specific for a disease with a single genetic etiology.;The prevalence of the variant in affected individuals is significantly increased compared to the prevalence in controls.

Literature cited by the submitters: PubMed 16944272 (cited by Labcorp Genetics (formerly Invitae), Labcorp); PubMed 31533651 (cited by Labcorp Genetics (formerly Invitae), Labcorp); PubMed 16199547 (cited by Labcorp Genetics (formerly Invitae), Labcorp); PubMed 10712197 (cited by Labcorp Genetics (formerly Invitae), Labcorp); PubMed 23913538 (cited by Labcorp Genetics (formerly Invitae), Labcorp).